The following is an entry in ClinVar:

ClinVar aggregate classification (germline): Conflicting classifications of pathogenicity. Review status: criteria provided, conflicting classifications (1 of 4 stars). 2 submissions from 2 submitters: Likely pathogenic (1); Uncertain significance (1). Last evaluated 2023-06-20.

Conditions:
SPG7-related disorder. Also called: SPG7-related condition.

Allele frequency attached by ClinVar (database versions not stated): gnomAD 0.00001.
gnomAD v4.1: 5 of 1,509,754 alleles (0.00033%); no homozygotes.

Submissions (2):

Athena Diagnostics
Classification: Likely pathogenic. Last evaluated: 2023-06-20. Review status: criteria provided, single submitter. Criteria: Athena Diagnostics Criteria. Collection method: clinical testing. Allele origin: unknown.
Comment: This variant is expected to result in the loss of a functional protein. The frequency of this variant in the general population is consistent with pathogenicity. This variant has been identified heterozygous in at least one individual with clinical features associated with this gene.

PreventionGenetics, part of Exact Sciences
Classification: Uncertain significance for SPG7-related condition. Last evaluated: 2023-02-03. Review status: criteria provided, single submitter. Criteria: ACMG Guidelines, 2015. Collection method: clinical testing. Allele origin: germline.
Comment: The SPG7 c.69G>A variant is predicted to result in premature protein termination (p.Trp23*). To our knowledge, this variant has not been reported in the literature. This variant is reported in 0.016% of alleles in individuals of European (Finnish) descent in gnomAD. Truncating variants downstream of this position have frequently been reported in patients with spastic paraplegia phenotypes (see, for example, Sánchez-Ferrero. 2013. PubMed ID: 22571692; HGMD, Human Gene Mutation Database). Although we suspect that this variant may be pathogenic, at this time, the clinical significance of this variant is uncertain due to the absence of conclusive functional and genetic evidence.

NM_003119.4(SPG7):c.69G>A (p.Trp23Ter)

Genes: SPG7 (SPG7 matrix AAA peptidase subunit, paraplegin; plus strand), LOC130059818 (ATAC-STARR-seq lymphoblastoid silent region 7911; plus strand). Cytogenetic location: 16q24.3.
Variant type: single nucleotide variant.
Coding change: c.69G>A on transcript NM_003119.4 (MANE Select); coding-DNA position 69, G replaced by A.
Protein change: p.Trp23Ter; replaces tryptophan 23 with a stop codon.
Molecular consequence: nonsense.
Genome position (GRCh38, 1-based): chr16:89,508,486, G>A. VCF-style: chr16-89508486-G-A. GRCh37 (hg19) VCF-style: chr16-89574894-G-A.
Other names: c.69G>A, p.Trp23Ter (NM_001363850.1, NM_199367.3); c.69G>A (NM_003119.2); short protein forms W23*.
Identifiers: ClinVar variation 2630585 (VCV002630585.2), dbSNP rs1457238867, ClinGen allele CA397415924.